The following is an entry in ClinVar:

NM_001286577.2(C2CD3):c.4287del (p.His1430fs)

Gene: C2CD3 (C2 domain containing 3 centriole elongation regulator; minus strand). Cytogenetic location: 11q13.4.
Variant type: Deletion.
Coding change: c.4287del on transcript NM_001286577.2 (MANE Select); coding-DNA position 4287, one base deleted (T; older notation c.4287delT).
Protein change: p.His1430fs; shifts the reading frame from histidine 1430.
Molecular consequence: frameshift variant.
Genome position (GRCh38, 1-based): chr11:74,078,431, A deleted on the plus strand (T on the coding strand, the reverse complement: C2CD3 is on the minus strand); the first of 2 consecutive A bases (chr11:74,078,431-74,078,432); deleting either gives the same sequence. VCF-style (leftmost placement, unchanged base first): chr11-74078430-GA-G. GRCh37 (hg19) VCF-style: chr11-73789475-GA-G.
Other names: c.4287del, p.His1430fs (NM_015531.6); short protein forms H1430fs.
Identifiers: ClinVar variation 3007681 (VCV003007681.3), dbSNP rs1955172101, ClinGen allele CA939578565.
Genomic context (GRCh38, chr11:74,078,430, plus strand): 5'-GGGTCCAAAAGGCTTCATGATCATAGAACTTGTAGCGAAGGTAGCAATATGTATTCTTAT[GA>G]ATGTGGTTGTGGCCAGCAAGCAGCACACAATGGATGGGCAGCCACAGCCTTGGGGTGGAG-3'

ClinVar aggregate classification (germline): Pathogenic (1 of 4 stars; one submission).

Submission:

Labcorp Genetics (formerly Invitae), Labcorp
Classification: Pathogenic. Last evaluated: 2023-06-14. Review status: criteria provided, single submitter. Criteria: Invitae Variant Classification Sherloc (09022015). Collection method: clinical testing. Allele origin: germline.
Comment: This variant is not present in population databases (gnomAD no frequency). This sequence change creates a premature translational stop signal (p.His1430Ilefs*29) in the C2CD3 gene. It is expected to result in an absent or disrupted protein product. Loss-of-function variants in C2CD3 are known to be pathogenic (PMID: 24997988, 26477546). For these reasons, this variant has been classified as Pathogenic. This variant has not been reported in the literature in individuals affected with C2CD3-related conditions.

Literature cited by the submitters: PubMed 24997988; PubMed 26477546.